The following is an entry in ClinVar:

NM_000465.4(BARD1):c.1677+6T>A

Gene: BARD1 (BRCA1 associated RING domain 1; minus strand). Cytogenetic location: 2q35.
Variant type: single nucleotide variant.
Coding change: c.1677+6T>A on transcript NM_000465.4 (MANE Select); 6 bases into the intron after coding-DNA position 1677, T replaced by A.
Molecular consequence: intron variant.
Genome position (GRCh38, 1-based): chr2:214,752,441, A>T on the plus strand (T>A on the coding strand, the complement: BARD1 is on the minus strand). VCF-style: chr2-214752441-A-T. GRCh37 (hg19) VCF-style: chr2-215617165-A-T.
Other names: c.267+6T>A (NM_001282548.2); c.1620+6T>A (NM_001282543.2); c.324+6T>A (NM_001282545.2); c.365-21933T>A (NM_001282549.2).
Identifiers: ClinVar variation 960420 (VCV000960420.10), dbSNP rs1400074259, ClinGen allele CA764572562.

ClinVar aggregate classification (germline): Uncertain significance (1 of 4 stars; one submission).

Conditions:
Familial cancer of breast. Also called: BREAST CANCER, FAMILIAL; Hereditary breast cancer; hereditary breast carcinoma. Identifiers: Orphanet 227535, MedGen C0346153, MONDO:0016419, OMIM 114480. Disease mechanism: loss of function.

Allele frequency attached by ClinVar (database versions not stated): TOPMed below 0.00001; gnomAD 0.00001.
gnomAD v4.1: 1 of 1,596,760 alleles (0.000063%); highest among the groups gnomAD compares: Non-Finnish European, 0.000086%; no homozygotes.

Submission:

Labcorp Genetics (formerly Invitae), Labcorp
Classification: Uncertain significance for Familial cancer of breast. Last evaluated: 2019-10-20. Review status: criteria provided, single submitter. Criteria: Invitae Variant Classification Sherloc (09022015). Collection method: clinical testing. Allele origin: germline.
Comment: In summary, the available evidence is currently insufficient to determine the role of this variant in disease. Therefore, it has been classified as a Variant of Uncertain Significance. This variant is not present in population databases (ExAC no frequency). This variant has not been reported in the literature in individuals with BARD1-related conditions. Nucleotide substitutions within the consensus splice site are a relatively common cause of aberrant splicing (PMID: 17576681, 9536098). Algorithms developed to predict the effect of sequence changes on RNA splicing suggest that this variant may disrupt the consensus splice site, but this prediction has not been confirmed by published transcriptional studies. This sequence change falls in intron 7 of the BARD1 gene. It does not directly change the encoded amino acid sequence of the BARD1 protein, but it affects a nucleotide within the consensus splice site of the intron.

Literature cited by the submitters: PubMed 17576681; PubMed 9536098.